The following is an entry in ClinVar:

NM_003104.6(SORD):c.278C>G (p.Ala93Gly)

Gene: SORD (sorbitol dehydrogenase; plus strand). Cytogenetic location: 15q21.1.
Variant type: single nucleotide variant.
Coding change: c.278C>G on transcript NM_003104.6 (MANE Select); coding-DNA position 278, C replaced by G.
Protein change: p.Ala93Gly; replaces alanine 93 with glycine.
Molecular consequence: missense variant. On other transcripts: non-coding transcript variant (1).
Genome position (GRCh38, 1-based): chr15:45,061,079, C>G. VCF-style: chr15-45061079-C-G. GRCh37 (hg19) VCF-style: chr15-45353277-C-G.
Other names: p.Ala93Gly; short protein forms A93G.
Identifiers: ClinVar variation 4541940 (VCV004541940.1).

ClinVar aggregate classification (germline): Uncertain significance (1 of 4 stars; one submission).

gnomAD v4.1: 1 of 1,614,154 alleles (0.000062%); highest among the groups gnomAD compares: South Asian, 0.0011%; no homozygotes.

Submission:

Mayo Clinic Laboratories, Mayo Clinic
Classification: Uncertain significance. Last evaluated: 2025-10-08. Review status: criteria provided, single submitter. Criteria: ACMG Guidelines, 2015. Collection method: clinical testing. Allele origin: germline. Observed: 1 variant allele.
Comment: BP4